The following is an entry in ClinVar:

NM_005228.5(EGFR):c.2185-13C>T

Gene: EGFR (epidermal growth factor receptor; plus strand). Cytogenetic location: 7p11.2.
Variant type: single nucleotide variant.
Coding change: c.2185-13C>T on transcript NM_005228.5 (MANE Select); 13 bases into the intron before coding-DNA position 2185, C replaced by T.
Molecular consequence: intron variant.
Genome position (GRCh38, 1-based): chr7:55,174,709, C>T. VCF-style: chr7-55174709-C-T. GRCh37 (hg19) VCF-style: chr7-55242402-C-T.
Other names: c.2050-13C>T (NM_001346899.2, NM_001346897.2); c.1384-13C>T (NM_001346941.2); c.2185-13C>T (NM_001346898.2); c.2026-13C>T (NM_001346900.2).
Identifiers: ClinVar variation 1541621 (VCV001541621.9), dbSNP rs377247228, ClinGen allele CA4266007.

ClinVar aggregate classification (germline): Likely benign. Review status: criteria provided, multiple submitters, no conflicts (2 of 4 stars). 2 submissions from 2 submitters: Likely benign (2). Last evaluated 2025-06-08.

Conditions:
EGFR-related lung cancer (EGFR). Identifiers: MedGen CN130014.
Lung cancer. Also called: Lung cancer, somatic; Malignant tumor of lung. Identifiers: MedGen C0242379, MONDO:0008903, OMIM 211980.

Allele frequency attached by ClinVar (database versions not stated): gnomAD exomes below 0.00001; TOPMed below 0.00001; ExAC 0.00001; ESP Exome Variant Server 0.00008.
gnomAD v4.1: 6 of 1,608,206 alleles (0.00037%); highest among the groups gnomAD compares: Non-Finnish European, 0.00034%; no homozygotes.

Submissions (2):

Labcorp Genetics (formerly Invitae), Labcorp
Classification: Likely benign for EGFR-related lung cancer. Last evaluated: 2025-06-08. Review status: criteria provided, single submitter. Criteria: Invitae Variant Classification Sherloc (09022015). Collection method: clinical testing. Allele origin: germline.

Myriad Genetics, Inc.
Classification: Likely benign for Lung cancer. Last evaluated: 2024-10-16. Review status: criteria provided, single submitter. Criteria: Myriad Autosomal Dominant, Autosomal Recessive and X-Linked Classification Criteria (2023). Collection method: clinical testing. Allele origin: unknown.
Comment: This variant is considered likely benign. This variant is intronic and is not expected to impact mRNA splicing.